The following is an entry in ClinVar:

ClinVar aggregate classification (germline): Uncertain significance (1 of 4 stars; one submission).

Conditions:
Malignant hyperthermia, susceptibility to, 5 (MHS5). Also called: CACNA1S-Related Malignant Hyperthermia Susceptibility. Identifiers: Orphanet 423, MedGen C1866077, MONDO:0011163, OMIM 601887.
Hypokalemic periodic paralysis, type 1. Also called: HypoPP; Hypokalemic Periodic Paralysis Type 1 (AD). Identifiers: Orphanet 681, MedGen C3714580, MONDO:0042979, OMIM 170400.

Submission:

Labcorp Genetics (formerly Invitae), Labcorp
Classification: Uncertain significance for Hypokalemic periodic paralysis, type 1; Malignant hyperthermia, susceptibility to, 5. Last evaluated: 2023-05-13. Review status: criteria provided, single submitter. Criteria: Invitae Variant Classification Sherloc (09022015). Collection method: clinical testing. Allele origin: germline.
Comment: This sequence change replaces glycine, which is neutral and non-polar, with serine, which is neutral and polar, at codon 1545 of the CACNA1S protein (p.Gly1545Ser). Advanced modeling of protein sequence and biophysical properties (such as structural, functional, and spatial information, amino acid conservation, physicochemical variation, residue mobility, and thermodynamic stability) performed at Invitae indicates that this missense variant is not expected to disrupt CACNA1S protein function. This variant is not present in population databases (gnomAD no frequency). This variant has not been reported in the literature in individuals affected with CACNA1S-related conditions. In summary, the available evidence is currently insufficient to determine the role of this variant in disease. Therefore, it has been classified as a Variant of Uncertain Significance.

NM_000069.3(CACNA1S):c.4633G>A (p.Gly1545Ser)

Gene: CACNA1S (calcium voltage-gated channel subunit alpha1 S; minus strand). Cytogenetic location: 1q32.1.
Variant type: single nucleotide variant.
Coding change: c.4633G>A on transcript NM_000069.3 (MANE Select); coding-DNA position 4633, G replaced by A.
Protein change: p.Gly1545Ser; replaces glycine 1545 with serine.
Molecular consequence: missense variant.
Genome position (GRCh38, 1-based): chr1:201,047,150, C>T on the plus strand (G>A on the coding strand, the complement: CACNA1S is on the minus strand). VCF-style: chr1-201047150-C-T. GRCh37 (hg19) VCF-style: chr1-201016278-C-T.
Other names: short protein forms G1545S.
Identifiers: ClinVar variation 2935281 (VCV002935281.3), dbSNP rs2464429089, ClinGen allele CA344141770.